The following is an entry in ClinVar:

NM_001035.3(RYR2):c.1791T>G (p.Ile597Met)

Gene: RYR2 (ryanodine receptor 2; plus strand). Cytogenetic location: 1q43.
Variant type: single nucleotide variant.
Coding change: c.1791T>G on transcript NM_001035.3 (MANE Select); coding-DNA position 1791, T replaced by G.
Protein change: p.Ile597Met; replaces isoleucine 597 with methionine.
Molecular consequence: missense variant.
Genome position (GRCh38, 1-based): chr1:237,491,888, T>G. VCF-style: chr1-237491888-T-G. GRCh37 (hg19) VCF-style: chr1-237655188-T-G.
Other names: p.I597M:ATT>ATG; c.1791T>G, p.Ile597Met (LRG_402t1); short protein forms I597M.
Identifiers: ClinVar variation 201223 (VCV000201223.2), dbSNP rs794728725, ClinGen allele CA008589.

ClinVar aggregate classification (germline): Uncertain significance (1 of 4 stars; one submission).

Submission:

GeneDx
Classification: Uncertain significance. Last evaluated: 2012-12-17. Review status: criteria provided, single submitter. Criteria: GeneDx Variant Classification (06012015). Collection method: clinical testing. Allele origin: germline. Affected: yes.
Comment: p.Ile597Met (ATT>ATG): c.1791 T>G in exon 18 of the RYR2 gene (NM_001035.2). The Ile597Met variant in the RYR2 gene has not been reported as a disease-causing mutation or as a benign polymorphism to our knowledge. Ile597Met results in a conservative amino acid substitution of one non-polar amino acid with another at a position that is conserved across species. In silico analysis predicts Ile597Met is damaging to the protein structure/function. The NHLBI ESP Exome Variant Server reports Ile597Met was not observed in approximately 5,500 samples from individuals of European and African American backgrounds, indicating it is not a common benign variant in these populations. Nevertheless, Ile597Met is not located in one of the hot spot" regions of the RYR2 gene, where the majority of mutations have been identified in association with CPVT. With the clinical and molecular information available at this time, we cannot definitively determine if Ile597Met is a disease-causing mutation or a rare benign variant. Familial Long QT syndrome is primarily an autosomal dominant disease caused by mutation(s) in cardiac ion channel genes. Mutations in these genes tend to prolong the duration of the ventricular action potential, thus lengthening the QT interval seen on an ECG (Goldenberg I et al., 2008; Priori S et al., 2004). LQTS is associated with increased risk for syncope, ventricular arrhythmia and sudden cardiac death in young adults with normal heart structure (Vincent G, 1998). CPVT is primarily caused by autosomal dominant mutations in the RYR2 and KCNJ2 genes. Less commonly, CPVT is caused by autosomal recessive mutations in the CASQ2 gene (Napolitano C et al., 2012). Mutations in the KCNH2 gene have been reported in approximately 25-35% of patients with autosomal dominant long QT syndrome, and are associated with increased risk of cardiac events triggered by exercise and auditory stimulation, especially during sleep (Vincent G, 2009). Approximately 50% of patients with autosomal dominant CPVT have been reported to have a mutation in the RYR2 gene, while mutations in the RYR2 gene associated with ARVC are rare (McNally E et al., 2009; Napolitano C et al., 2012). The variant is found in POSTMORTEM panel(s)."